The following is an entry in ClinVar:

NM_001267550.2(TTN):c.94180delinsTCTAGCAG (p.Pro31394fs)

Genes: TTN-AS1 (TTN antisense RNA 1; plus strand), TTN (titin; minus strand). Cytogenetic location: 2q31.2.
Variant type: Indel.
Coding change: c.94180delinsTCTAGCAG on transcript NM_001267550.2 (MANE Select); coding-DNA position 94180, C replaced by TCTAGCAG.
Protein change: p.Pro31394fs; shifts the reading frame from proline 31394.
Molecular consequence: frameshift variant.
Genome position (GRCh38, 1-based): chr2:178,547,446, G replaced by CTGCTAGA on the plus strand (C replaced by TCTAGCAG on the coding strand, the reverse complement: TTN is on the minus strand). VCF-style: chr2-178547446-G-CTGCTAGA. GRCh37 (hg19) VCF-style: chr2-179412173-G-CTGCTAGA.
Other names: c.89257delCinsTCTAGCAG (NM_001256850.1); c.89257delinsTCTAGCAG, p.Pro29753fs (NM_001256850.1); c.66985delinsTCTAGCAG, p.Pro22329fs (NM_003319.4); c.86476delinsTCTAGCAG, p.Pro28826fs (NM_133378.4); c.67360delinsTCTAGCAG, p.Pro22454fs (NM_133432.3); c.67561delinsTCTAGCAG, p.Pro22521fs (NM_133437.4); c.66985delCinsTCTAGCAG (NM_003319.4); c.94180delinsTCTAGCAG (NM_001267550.1); short protein forms P22521fs, P28826fs, P29753fs, P31394fs, P22329fs, P22454fs.
Identifiers: ClinVar variation 165720 (VCV000165720.21), dbSNP rs727503547, ClinGen allele CA273250.

ClinVar aggregate classification (germline): Pathogenic/Likely pathogenic. Review status: criteria provided, multiple submitters, no conflicts (2 of 4 stars). 8 submissions from 8 submitters: Pathogenic (4); Likely pathogenic (4). Last evaluated 2026-08-24.

Conditions:
Cardiovascular phenotype. Identifiers: MedGen CN230736.
TTN-related disorder. Also called: TTN-related condition; TTN-related disease; TTN-related disorders.
Dilated cardiomyopathy 1G (CMD1G). Identifiers: Orphanet 154, MedGen C1858763, MONDO:0011400, OMIM 604145.
Autosomal recessive limb-girdle muscular dystrophy type 2J (LGMDR10). Also called: Limb-girdle muscular dystrophy, type 2J; MUSCULAR DYSTROPHY, LIMB-GIRDLE, AUTOSOMAL RECESSIVE 10. Identifiers: Orphanet 140922, MedGen C1837342, MONDO:0012127, OMIM 608807.
Early-onset myopathy with fatal cardiomyopathy (CMYO5). Also called: Salih Myopathy; CONGENITAL MYOPATHY 5 WITH CARDIOMYOPATHY. Identifiers: Orphanet 289377, MedGen C2673677, MONDO:0012714, OMIM 611705. Disease mechanism: loss of function.
Hypertrophic cardiomyopathy 9. Also called: Familial hypertrophic cardiomyopathy 9. Identifiers: MedGen C1861065, MONDO:0013412, OMIM 613765.
Tibial muscular dystrophy (TMD). Also called: UDD MYOPATHY; Tibial muscular dystrophy, tardive; Udd Distal Myopathy – Tibial Muscular Dystrophy. Identifiers: Orphanet 609, MedGen C1838244, MONDO:0010870, OMIM 600334.
Myopathy, myofibrillar, 9, with early respiratory failure (MFM9). Also called: Hereditary myopathy with early respiratory failure; MYOPATHY, PROXIMAL, WITH EARLY RESPIRATORY MUSCLE INVOLVEMENT; Myopathy, distal, with early respiratory failure, autosomal dominant; EDSTROM MYOPATHY. Identifiers: Orphanet 178464, Orphanet 34521, MedGen C1863599, MONDO:0011362, OMIM 603689.
Primary dilated cardiomyopathy (DCM). Also called: Dilated Cardiomyopathy. Identifiers: Orphanet 217604, MedGen C0007193, MeSH D002311, MONDO:0005021, HP:0001644. Inheritance: Various modes of inheritance.

Submissions (8):

PreventionGenetics, part of Exact Sciences
Classification: Pathogenic for TTN-related condition. Last evaluated: 2026-08-24. Review status: criteria provided, single submitter. Criteria: ACMG Guidelines, 2015. Collection method: clinical testing. Allele origin: germline.
Comment: The TTN c.94180delinsTCTAGCAG variant is predicted to result in a frameshift and premature protein termination (p.Pro31394Serfs*12). This variant has been reported in the heterozygous state in an individual with dilated cardiomyopathy (Tan et al. 2025. PubMed ID: 40987017). This variant has not been reported in a large population database (gnomAD), indicating this variant is rare. This variant is located in the A-band region of the protein in which truncating TTN variants have been found more frequently in dilated cardiomyopathy patients than in controls (Herman et al. 2012. PubMed ID: 22335739). RNAseq studies from heart tissue indicate this exon is commonly included in TTN mRNA transcripts (PSI of 98%-100%, Roberts et al. 2015. PubMed ID: 25589632). TTN loss-of-function variants occurring in constitutively expressed exons (PSI > 90%) are more likely to be disease causing for TTN cardiac-related disorders regardless of band location (Roberts et al. 2015. PubMed ID: 25589632; Schafer et al. 2017. PubMed ID: 27869827; Akhtar et al. 2020. PubMed ID: 32964742). Many cases of recessive TTN-related myopathies in which the individual is compound heterozygous for two loss-of-function variants in TTN have also been reported (Oates et al. 2018. PubMed ID: 29691892; Ge et al. 2019. PubMed ID: 31053406; Rees et al. 2021. PubMed ID: 33449170). In summary, this variant is categorized as pathogenic. Of note, this variant is considered pathogenic for increased risk of TTN-related cardiac disorders, and also for autosomal recessive TTN-related congenital titinopathies.

Ambry Genetics
Classification: Pathogenic for Cardiovascular phenotype. Last evaluated: 2026-06-09. Review status: criteria provided, single submitter. Criteria: Ambry Variant Classification Scheme 2023. Collection method: clinical testing. Allele origin: germline.
Comment: The c.66985delCinsTCTAGCAG pathogenic mutation, located in coding exon 166 of the TTN gene, results from the deletion of one nucleotide and insertion of 8 nucleotides causing a translational frameshift with a predicted alternate stop codon (p.P22329Sfs*12). This exon is located in the A-band region of the N2-B isoform of the titin protein and is constitutively expressed in TTN transcripts (percent spliced in or PSI 100%). This variant was reported in individual(s) with features consistent with dilated cardiomyopathy (Ambry internal data). This variant is considered to be rare based on population cohorts in the Genome Aggregation Database (gnomAD). This variant is expected to result in loss of function by premature protein truncation or nonsense-mediated mRNA decay. While truncating variants in TTN are present in 1-3% of the general population, truncating variants in the A-band are the most common cause of dilated cardiomyopathy (Herman DS et al. N. Engl. J. Med., 2012 Feb;366:619-28; Roberts AM et al. Sci Transl Med, 2015 Jan;7:270ra6). TTN truncating variants encoded in constitutive exons (PSI >90%) have been found to be significantly associated with DCM regardless of their position in titin (Schafer S et al. Nat. Genet., 2017 01;49:46-53; Akhtar MM et al. Circ Heart Fail, 2020 Oct;13:e006832; Massier M et al. Clin Genet, 2025 Jan). Based on the supporting evidence, this variant is interpreted as a disease-causing mutation.

Variantyx, Inc.
Classification: Likely pathogenic for Dilated cardiomyopathy 1G. Last evaluated: 2025-05-11. Review status: criteria provided, single submitter. Criteria: Variantyx Assertion Criteria 2022. Collection method: clinical testing. Allele origin: germline. Inheritance: Autosomal dominant inheritance. Affected: yes.
Comment: This is an intronic variant in the TTN gene (OMIM: 188840). Pathogenic variants in this gene have been associated with autosomal dominant dilated cardiomyopathy 1G. This variant introduces a premature termination codon in exon 339 out of 363 and is expected to result in loss of function, which is a known disease mechanism for TTN in this disorder (PMID: 27869827, 33226272) (PVS1). This variant is absent from control populations (PM2). Based on the current evidence, this variant is classified as likely pathogenic for autosomal dominant dilated cardiomyopathy 1G.

GeneDx
Classification: Pathogenic. Last evaluated: 2025-03-18. Review status: criteria provided, single submitter. Criteria: GeneDx Variant Classification Process June 2021. Collection method: clinical testing. Allele origin: germline. Affected: yes.
Comment: Frameshift variant predicted to result in protein truncation or nonsense mediated decay in a gene for which loss of function is a known mechanism of disease; Not observed at significant frequency in large population cohorts (gnomAD); Has not been previously published as pathogenic or benign to our knowledge; This variant is associated with the following publications: (PMID: 22335739, 32778822)

Labcorp Genetics (formerly Invitae), Labcorp
Classification: Pathogenic for Dilated cardiomyopathy 1G; Autosomal recessive limb-girdle muscular dystrophy type 2J. Last evaluated: 2024-06-12. Review status: criteria provided, single submitter. Criteria: Invitae Variant Classification Sherloc (09022015). Collection method: clinical testing. Allele origin: germline.
Comment: This sequence change creates a premature translational stop signal (p.Pro31394Serfs*12) in the TTN gene. While this is not anticipated to result in nonsense mediated decay, it is expected to create a truncated TTN protein. This variant is not present in population databases (gnomAD no frequency). This premature translational stop signal has been observed in individuals with dilated cardiomyopathy (Invitae). ClinVar contains an entry for this variant (Variation ID: 466668). This variant is located in the A band of TTN (PMID: 25589632). Truncating variants in this region are significantly overrepresented in patients affected with dilated cardiomyopathy (PMID: 25589632). Truncating variants in this region have also been reported in individuals affected with autosomal recessive centronuclear myopathy (PMID: 23975875). For these reasons, this variant has been classified as Pathogenic.

AiLife Diagnostics
Classification: Likely pathogenic. Last evaluated: 2022-02-16. Review status: criteria provided, single submitter. Criteria: ACMG Guidelines, 2015. Collection method: clinical testing. Allele origin: germline. Affected: yes. Observed: 1 variant allele.

Fulgent Genetics
Classification: Likely pathogenic for Tibial muscular dystrophy; Myopathy, myofibrillar, 9, with early respiratory failure; Dilated cardiomyopathy 1G; Autosomal recessive limb-girdle muscular dystrophy type 2J; Early-onset myopathy with fatal cardiomyopathy; Hypertrophic cardiomyopathy 9. Last evaluated: 2021-08-19. Review status: criteria provided, single submitter. Criteria: ACMG Guidelines, 2015. Collection method: clinical testing. Allele origin: unknown.

Laboratory for Molecular Medicine, Mass General Brigham Personalized Medicine
Classification: Likely pathogenic for Primary dilated cardiomyopathy. Last evaluated: 2014-07-09. Review status: criteria provided, single submitter. Criteria: LMM Criteria. Collection method: clinical testing. Allele origin: germline. Observed: 2 variant alleles.
Comment: The Pro28826fs variant in TTN has not been reported in individuals with cardiomy opathy or in large population studies. This variant is predicted to cause a fram eshift, which alters the protein?s amino acid sequence beginning at position 288 26 and lead to a premature termination codon 12 amino acids downstream. This alt eration is then predicted to lead to a truncated or absent protein. Frameshift a nd other truncating variants in TTN are strongly associated with DCM, particular ly if they are located in the exons encoding for the A-band region of the protei n (Herman 2012, Pugh 2014), where this variant is located. In summary, although additional studies are required to fully establish its clinical significance, th e Pro28826fs variant is likely pathogenic.

Literature cited by the submitters: PubMed 27869827 (cited by Variantyx, Inc.); PubMed 33226272 (cited by Variantyx, Inc.); PubMed 25589632 (cited by Labcorp Genetics (formerly Invitae), Labcorp); PubMed 23975875 (cited by Labcorp Genetics (formerly Invitae), Labcorp).